The following is an entry in ClinVar:

NM_004320.6(ATP2A1):c.1231G>C (p.Val411Leu)

Gene: ATP2A1 (ATPase sarcoplasmic/endoplasmic reticulum Ca2+ transporting 1; plus strand). Cytogenetic location: 16p11.2.
Variant type: single nucleotide variant.
Coding change: c.1231G>C on transcript NM_004320.6 (MANE Select); coding-DNA position 1231, G replaced by C.
Protein change: p.Val411Leu; replaces valine 411 with leucine.
Molecular consequence: missense variant.
Genome position (GRCh38, 1-based): chr16:28,894,551, G>C. VCF-style: chr16-28894551-G-C. GRCh37 (hg19) VCF-style: chr16-28905872-G-C.
Other names: c.856G>C, p.Val286Leu (NM_001286075.2); c.1231G>C, p.Val411Leu (NM_173201.5); short protein forms V286L, V411L.
Identifiers: ClinVar variation 1020588 (VCV001020588.9), dbSNP rs1963864332, ClinGen allele CA395407348.

ClinVar aggregate classification (germline): Uncertain significance (1 of 4 stars; one submission).

Conditions:
Brody myopathy. Also called: BRODY DISEASE. Identifiers: Orphanet 53347, MedGen C1832918, MONDO:0010977, OMIM 601003.

gnomAD v4.1: 1 of 1,614,120 alleles (0.000062%); highest among the groups gnomAD compares: Non-Finnish European, 0.000085%; no homozygotes.

Submission:

Labcorp Genetics (formerly Invitae), Labcorp
Classification: Uncertain significance for Brody myopathy. Last evaluated: 2024-02-23. Review status: criteria provided, single submitter. Criteria: Invitae Variant Classification Sherloc (09022015). Collection method: clinical testing. Allele origin: germline.
Comment: This sequence change replaces valine, which is neutral and non-polar, with leucine, which is neutral and non-polar, at codon 411 of the ATP2A1 protein (p.Val411Leu). This variant is not present in population databases (gnomAD no frequency). This variant has not been reported in the literature in individuals affected with ATP2A1-related conditions. ClinVar contains an entry for this variant (Variation ID: 1020588). An algorithm developed to predict the effect of missense changes on protein structure and function (PolyPhen-2) suggests that this variant is likely to be disruptive. In summary, the available evidence is currently insufficient to determine the role of this variant in disease. Therefore, it has been classified as a Variant of Uncertain Significance.